The following is an entry in ClinVar:

ClinVar aggregate classification (germline): Uncertain significance (1 of 4 stars; one submission).

Allele frequency attached by ClinVar (database versions not stated): gnomAD 0.00001; gnomAD exomes 0.00001; ExAC 0.00004; 1000 Genomes Project 30x 0.00016; 1000 Genomes Project 0.00020.
gnomAD v4.1: 16 of 1,611,952 alleles (0.00099%); highest among the groups gnomAD compares: Middle Eastern, 0.017%; no homozygotes.

Submission:

Labcorp Genetics (formerly Invitae), Labcorp
Classification: Uncertain significance. Last evaluated: 2022-04-25. Review status: criteria provided, single submitter. Criteria: Invitae Variant Classification Sherloc (09022015). Collection method: clinical testing. Allele origin: germline.
Comment: In summary, the available evidence is currently insufficient to determine the role of this variant in disease. Therefore, it has been classified as a Variant of Uncertain Significance. Algorithms developed to predict the effect of missense changes on protein structure and function output the following: SIFT: "Tolerated"; PolyPhen-2: "Benign"; Align-GVGD: "Class C0". The asparagine amino acid residue is found in multiple mammalian species, which suggests that this missense change does not adversely affect protein function. This variant has not been reported in the literature in individuals affected with LAMA5-related conditions. This variant is present in population databases (rs566922430, gnomAD 0.02%). This sequence change replaces aspartic acid, which is acidic and polar, with asparagine, which is neutral and polar, at codon 434 of the LAMA5 protein (p.Asp434Asn).

NM_005560.6(LAMA5):c.1300G>A (p.Asp434Asn)

Gene: LAMA5 (laminin subunit alpha 5; minus strand). Cytogenetic location: 20q13.33.
Variant type: single nucleotide variant.
Coding change: c.1300G>A on transcript NM_005560.6 (MANE Select); coding-DNA position 1300, G replaced by A.
Protein change: p.Asp434Asn; replaces aspartic acid 434 with asparagine.
Molecular consequence: missense variant.
Genome position (GRCh38, 1-based): chr20:62,346,198, C>T on the plus strand (G>A on the coding strand, the complement: LAMA5 is on the minus strand). VCF-style: chr20-62346198-C-T. GRCh37 (hg19) VCF-style: chr20-60921254-C-T.
Other names: short protein forms D434N.
Identifiers: ClinVar variation 1901918 (VCV001901918.5), dbSNP rs566922430, ClinGen allele CA9943999.